The following is an entry in ClinVar:

ClinVar aggregate classification (germline): Benign. Review status: criteria provided, multiple submitters, no conflicts (2 of 4 stars). 12 submissions from 11 submitters: Benign (10). 2 of the submissions do not count toward it. Last evaluated 2026-02-04.

Conditions:
RYR1-related disorder. Also called: RYR1-related condition; RYR1-related disorders. Identifiers: MedGen CN239331.
Congenital multicore myopathy with external ophthalmoplegia (CMYO1B). Also called: Congenital myopathy 1B, autosomal recessive; Minicore myopathy; Minicore myopathy with external ophthalmoplegia; MULTIMINICORE DISEASE WITH EXTERNAL OPHTHALMOPLEGIA; MULTICORE MYOPATHY. Identifiers: Orphanet 598, Orphanet 98905, MedGen C1850674, MONDO:0009712, OMIM 255320, HP:0003789.
Malignant hyperthermia, susceptibility to, 1 (MHS1). Also called: RYR1-Related Malignant Hyperthermia Susceptibility; Malignant hyperthermia suceptibility 1; Anesthesia related hyperthermia; Malignant hyperpyrexia; Fulminating hyperpyrexia; Pharmacogenic myopathy. Identifiers: Orphanet 423, MedGen C2930980, MONDO:0007783, OMIM 145600.

Allele frequency attached by ClinVar (database versions not stated): 1000 Genomes Project 0.07827; 1000 Genomes Project 30x 0.08120; gnomAD 0.06569; TOPMed 0.07397; ESP Exome Variant Server 0.07720.
gnomAD v4.1: 20,029 of 1,613,410 alleles (1.2%); highest among the groups gnomAD compares: African/African-American, 22%; 2,036 homozygotes.

Submissions (12):

Labcorp Genetics (formerly Invitae), Labcorp
Classification: Benign for RYR1-related disorder. Last evaluated: 2026-02-04. Review status: criteria provided, single submitter. Criteria: Invitae Variant Classification Sherloc (09022015). Collection method: clinical testing. Allele origin: germline.

Color Diagnostics, LLC DBA Color Health
Classification: Benign for Malignant hyperthermia, susceptibility to, 1. Last evaluated: 2019-03-29. Review status: criteria provided, single submitter. Criteria: ACMG Guidelines, 2015. Collection method: clinical testing. Allele origin: germline.

PreventionGenetics, part of Exact Sciences
Classification: Benign. Last evaluated: 2018-04-03. Review status: criteria provided, single submitter. Criteria: ACMG Guidelines, 2015. Collection method: clinical testing. Allele origin: germline.

Illumina Laboratory Services, Illumina
Classification: Benign for Malignant hyperthermia, susceptibility to, 1. Last evaluated: 2018-01-13. Review status: criteria provided, single submitter. Criteria: ICSL Variant Classification Criteria 13 December 2019. Collection method: clinical testing. Allele origin: germline.
Comment: This variant was observed in the ICSL laboratory as part of a predisposition screen in an ostensibly healthy population. It had not been previously curated by ICSL or reported in the Human Gene Mutation Database (HGMD: prior to June 1st, 2018), and was therefore a candidate for classification through an automated scoring system. Utilizing variant allele frequency, disease prevalence and penetrance estimates, and inheritance mode, an automated score was calculated to assess if this variant is too frequent to cause the disease. Based on the score and internal cut-off values, a variant classified as benign is not then subjected to further curation. The score for this variant resulted in a classification of benign for this disease.

Illumina Laboratory Services, Illumina
Classification: Benign for Congenital multicore myopathy with external ophthalmoplegia. Last evaluated: 2018-01-13. Review status: criteria provided, single submitter. Criteria: ICSL Variant Classification Criteria 13 December 2019. Collection method: clinical testing. Allele origin: germline.
Comment: the same text as in the submission from Illumina Laboratory Services, Illumina above.

Mayo Clinic Laboratories, Mayo Clinic
Classification: Benign. Last evaluated: 2017-11-22. Review status: criteria provided, single submitter. Criteria: ACMG Guidelines, 2015. Collection method: clinical testing. Allele origin: germline. Observed: 56 variant alleles.

GeneDx
Classification: Benign. Last evaluated: 2016-03-24. Review status: criteria provided, single submitter. Criteria: GeneDx Variant Classification (06012015). Collection method: clinical testing. Allele origin: germline. Affected: yes.
Comment: This variant is considered likely benign or benign based on one or more of the following criteria: it is a conservative change, it occurs at a poorly conserved position in the protein, it is predicted to be benign by multiple in silico algorithms, and/or has population frequency not consistent with disease.

Genetic Services Laboratory, University of Chicago
Classification: Benign. Last evaluated: 2013-08-15. Review status: criteria provided, single submitter. Criteria: ACMG Guidelines, 2007. Collection method: clinical testing. Allele origin: germline. Inheritance: Autosomal unknown.

Eurofins Ntd Llc (ga)
Classification: Benign. Last evaluated: 2013-03-25. Review status: criteria provided, single submitter. Criteria: EGL Classification Definitions 2015. Collection method: clinical testing. Allele origin: germline. Observed: 3 variant alleles, 2 heterozygotes, 1 homozygote.

Breakthrough Genomics
Classification: Benign. Review status: criteria provided, single submitter. Criteria: ACMG Guidelines, 2015. Collection method: not provided. Allele origin: germline. Inheritance: Autosomal recessive inheritance. Affected: yes.

Joint Genome Diagnostic Labs from Nijmegen and Maastricht, Radboudumc and MUMC+
Classification: Benign. Review status: no assertion criteria provided. Collection method: clinical testing. Allele origin: germline. Affected: yes. Study: VKGL Data-share Consensus. Not counted in ClinVar's aggregate classification.

Laboratory of Diagnostic Genome Analysis, Leiden University Medical Center (LUMC)
Classification: Benign. Review status: no assertion criteria provided. Collection method: clinical testing. Allele origin: germline. Affected: yes. Study: VKGL Data-share Consensus. Not counted in ClinVar's aggregate classification.

NM_000540.3(RYR1):c.5334G>T (p.Ser1778=)

Gene: RYR1 (ryanodine receptor 1; plus strand). Cytogenetic location: 19q13.2.
Variant type: single nucleotide variant.
Coding change: c.5334G>T on transcript NM_000540.3 (MANE Select); coding-DNA position 5334, G replaced by T.
Protein change: p.Ser1778=; no amino-acid change (serine 1778 retained).
Molecular consequence: synonymous variant.
Genome position (GRCh38, 1-based): chr19:38,485,989, G>T. VCF-style: chr19-38485989-G-T. GRCh37 (hg19) VCF-style: chr19-38976629-G-T.
Other names: p.Ser1778=; c.5334G>T, p.Ser1778= (NM_001042723.2).
Identifiers: ClinVar variation 93273 (VCV000093273.30), dbSNP rs35566549, ClinGen allele CA024509.
Genomic context (GRCh38, chr19:38,485,989, plus strand): 5'-CCGGCATGGCCTGCCGGGAGTTGGAGTCACCACTTCGCTGAGGCCCCCGCATCATTTCTC[G>T]CCCCCCTGTTTCGTGGCCGCTCTGCCAGCTGCTGGGGCAGCAGAGGCCCCGGCCCGCCTC-3'
Protein context (NP_000531.2, residues 1768-1788): TTSLRPPHHF[Ser1778=]PPCFVAALPA